The following is an entry in ClinVar:

NM_006073.4(TRDN):c.1975+9G>A

Gene: TRDN (triadin; minus strand). Cytogenetic location: 6q22.31.
Variant type: single nucleotide variant.
Coding change: c.1975+9G>A on transcript NM_006073.4 (MANE Select); 9 bases into the intron after coding-DNA position 1975, G replaced by A.
Molecular consequence: intron variant.
Genome position (GRCh38, 1-based): chr6:123,252,403, C>T on the plus strand (G>A on the coding strand, the complement: TRDN is on the minus strand). VCF-style: chr6-123252403-C-T. GRCh37 (hg19) VCF-style: chr6-123573548-C-T.
Identifiers: ClinVar variation 463675 (VCV000463675.17), dbSNP rs111276785, ClinGen allele CA3983665.

ClinVar aggregate classification (germline): Benign/Likely benign. Review status: criteria provided, multiple submitters, no conflicts (2 of 4 stars). 5 submissions from 5 submitters: Benign (1); Likely benign (3). 1 of the submissions does not count toward it. Last evaluated 2026-01-29.

Conditions:
TRDN-related disorder. Also called: TRDN-related condition.
Catecholaminergic polymorphic ventricular tachycardia 1. Also called: VENTRICULAR TACHYCARDIA, CATECHOLAMINERGIC POLYMORPHIC, 1, WITH OR WITHOUT ATRIAL DYSFUNCTION AND/OR DILATED CARDIOMYOPATHY; RYR2-Related Catecholaminergic Polymorphic Ventricular Tachycardia; VENTRICULAR TACHYCARDIA, STRESS-INDUCED POLYMORPHIC 1. Identifiers: Orphanet 3286, MedGen C1631597, MONDO:0011484, OMIM 604772.

Allele frequency attached by ClinVar (database versions not stated): ExAC 0.00039; TOPMed 0.00082; 1000 Genomes Project 30x 0.00094; 1000 Genomes Project 0.00120.
gnomAD v4.1: 216 of 1,496,210 alleles (0.014%); highest among the groups gnomAD compares: African/African-American, 0.24%; no homozygotes.

Submissions (5):

Labcorp Genetics (formerly Invitae), Labcorp
Classification: Benign for Catecholaminergic polymorphic ventricular tachycardia 1. Last evaluated: 2026-01-29. Review status: criteria provided, single submitter. Criteria: Invitae Variant Classification Sherloc (09022015). Collection method: clinical testing. Allele origin: germline.

Blueprint Genetics
Classification: Likely benign. Last evaluated: 2024-08-28. Review status: criteria provided, single submitter. Criteria: ACMG Guidelines, 2015. Collection method: clinical testing. Allele origin: germline.

Women's Health and Genetics/Laboratory Corporation of America, LabCorp
Classification: Likely benign. Last evaluated: 2024-06-04. Review status: criteria provided, single submitter. Criteria: LabCorp Variant Classification Summary - May 2015. Collection method: clinical testing. Allele origin: germline.

GeneDx
Classification: Likely benign. Last evaluated: 2017-09-13. Review status: criteria provided, single submitter. Criteria: GeneDx Variant Classification (06012015). Collection method: clinical testing. Allele origin: germline. Affected: yes.
Comment: This variant is considered likely benign or benign based on one or more of the following criteria: it is a conservative change, it occurs at a poorly conserved position in the protein, it is predicted to be benign by multiple in silico algorithms, and/or has population frequency not consistent with disease.

PreventionGenetics, part of Exact Sciences
Classification: Likely benign for TRDN-related condition. Last evaluated: 2020-03-03. Review status: no assertion criteria provided. Collection method: clinical testing. Allele origin: germline. Not counted in ClinVar's aggregate classification.
Comment: This variant is classified as likely benign based on ACMG/AMP sequence variant interpretation guidelines (Richards et al. 2015 PMID: 25741868, with internal and published modifications).